The following is an entry in ClinVar:

ClinVar aggregate classification (germline): Uncertain significance. Review status: criteria provided, multiple submitters, no conflicts (2 of 4 stars). 2 submissions from 2 submitters: Uncertain significance (2). Last evaluated 2025-07-30.

Conditions:
Familial melanoma. Also called: Hereditary cutaneous melanoma; Hereditary melanoma. Identifiers: Orphanet 618, MedGen C1512419, MONDO:0018961.
Hereditary cancer-predisposing syndrome. Also called: Hereditary Cancer Syndrome; Hereditary neoplastic syndrome; Neoplastic Syndromes, Hereditary; Tumor predisposition. Identifiers: Orphanet 140162, MedGen C0027672, MeSH D009386, MONDO:0015356.

Submissions (2):

Ambry Genetics
Classification: Uncertain significance for Hereditary cancer-predisposing syndrome. Last evaluated: 2025-07-30. Review status: criteria provided, single submitter. Criteria: Ambry Variant Classification Scheme 2023. Collection method: clinical testing. Allele origin: germline.
Comment: The p.D153H variant (also known as c.457G>C), located in coding exon 2 of the CDKN2A gene, results from a G to C substitution at nucleotide position 457. The amino acid change results in aspartic acid to histidine at codon 153, an amino acid with similar properties. However, this change occurs in the last base pair of coding exon 2, which makes it likely to have some effect on normal mRNA splicing. This nucleotide position is highly conserved in available vertebrate species. This amino acid position is well conserved on limited sequence alignment. In silico splice site analysis predicts that this alteration will weaken the native splice donor site. Another alteration impacting the same donor site (p.D153Y, c.457G>T) has been described in the literature in individuals with CDKN2A-related disease (Moskaluk CA et al. Hum. Mutat. 1998;12(1):70; Lynch HT et al. Cancer. 2002 Jan;94(1):84-96; Rutter JL et al. Oncogene. 2003 Jul; 22(28):4444-8; Demenais F et al. J. Natl. Cancer Inst. 2010 Oct 20;102(20):1568-83; Lucas AL et al. Cancer. 2014 Jul;120(13):1960-7; Zhen DB et al. Genet. Med. 2015 Jul;17(7):569-77), and RT-PCR analysis for c.457G>T has shown aberrant splicing (Rutter JL et al. Oncogene. 2003 Jul; 22(28):4444-8; Loo JC et al. Oncogene. 2003 Sep;22(41):6387-94). In addition, the in silico prediction for this alteration is inconclusive. Since supporting evidence is limited at this time, the clinical significance of this alteration remains unclear.

Labcorp Genetics (formerly Invitae), Labcorp
Classification: Uncertain significance for Familial melanoma. Last evaluated: 2022-04-13. Review status: criteria provided, single submitter. Criteria: Invitae Variant Classification Sherloc (09022015). Collection method: clinical testing. Allele origin: germline.
Comment: This sequence change replaces aspartic acid, which is acidic and polar, with histidine, which is basic and polar, at codon 153 of the CDKN2A (p16INK4a) protein (p.Asp153His). This variant also falls at the last nucleotide of exon 2, which is part of the consensus splice site for this exon. This variant is not present in population databases (gnomAD no frequency). This missense change has been observed in individual(s) with exocrine pancreatic neoplasm (PMID: 29506128). Algorithms developed to predict the effect of missense changes on protein structure and function (SIFT, PolyPhen-2, Align-GVGD) all suggest that this variant is likely to be tolerated. Variants that disrupt the consensus splice site are a relatively common cause of aberrant splicing (PMID: 17576681, 9536098). Algorithms developed to predict the effect of sequence changes on RNA splicing suggest that this variant may disrupt the consensus splice site. In summary, the available evidence is currently insufficient to determine the role of this variant in disease. Therefore, it has been classified as a Variant of Uncertain Significance.

Literature cited by the submitters: PubMed 29506128 (cited by Labcorp Genetics (formerly Invitae), Labcorp); PubMed 17576681 (cited by Labcorp Genetics (formerly Invitae), Labcorp); PubMed 9536098 (cited by Labcorp Genetics (formerly Invitae), Labcorp).

NM_000077.5(CDKN2A):c.457G>C (p.Asp153His)

Gene: CDKN2A (cyclin dependent kinase inhibitor 2A; minus strand). Cytogenetic location: 9p21.3.
Variant type: single nucleotide variant.
Coding change: c.457G>C on transcript NM_000077.5; coding-DNA position 457, G replaced by C.
Protein change: p.Asp153His; replaces aspartic acid 153 with histidine.
Molecular consequence: missense variant (on NM_000077.6). On other transcripts: 3 prime UTR variant (2).
Genome position (GRCh38, 1-based): chr9:21,970,902, C>G on the plus strand (G>C on the coding strand, the complement: CDKN2A is on the minus strand). VCF-style: chr9-21970902-C-G. GRCh37 (hg19) VCF-style: chr9-21970901-C-G.
Other names: c.457G>C, p.Asp153His (NM_000077.6); c.457G>C, p.Glu153Gln (NM_001195132.2); c.304G>C, p.Asp102His (NM_001363763.2); c.*101G>C (NM_058195.4); c.*380G>C (NM_058197.5); short protein forms D153H, E153Q, D102H.
Identifiers: ClinVar variation 1741633 (VCV001741633.8), dbSNP rs45476696, ClinGen allele CA373085807.
Genomic context (GRCh38, chr9:21,970,902, plus strand): 5'-ATGAATGCTCTGAGCTTTGGAAGCTCTCAGGGTACAAATTCTCAGATCATCAGTCCTCAC[C>G]TGAGGGACCTTCCGCGGCATCTATGCGGGCATGGTTACTGCCTCTGGTGCCCCCCGCAGC-3'
Protein context (NP_000068.1, residues 143-156): ARIDAAEGPS[Asp153His]IPD